The following is an entry in ClinVar:

ClinVar aggregate classification (germline): Uncertain significance. Review status: criteria provided, multiple submitters, no conflicts (2 of 4 stars). 2 submissions from 2 submitters: Uncertain significance (2). Last evaluated 2024-04-10.

Conditions:
Fanconi anemia (FA). Also called: Fanconi's anemia. Identifiers: Orphanet 84, MedGen C0015625, MeSH D005199, MONDO:0019391.
Fanconi anemia complementation group I (FANCI). Also called: FANCI-Related Fanconi Anemia. Identifiers: Orphanet 84, MedGen C1836861, MONDO:0012186, OMIM 609053.

Allele frequency attached by ClinVar (database versions not stated): ExAC 0.00001; gnomAD exomes 0.00001; TOPMed 0.00003; ESP Exome Variant Server 0.00008.
gnomAD v4.1: 15 of 1,613,650 alleles (0.00093%); highest among the groups gnomAD compares: East Asian, 0.0045%; no homozygotes.

Submissions (2):

Fulgent Genetics
Classification: Uncertain significance for Fanconi anemia complementation group I. Last evaluated: 2024-04-10. Review status: criteria provided, single submitter. Criteria: ACMG Guidelines, 2015. Collection method: clinical testing. Allele origin: germline.

Labcorp Genetics (formerly Invitae), Labcorp
Classification: Uncertain significance for Fanconi anemia. Last evaluated: 2021-09-01. Review status: criteria provided, single submitter. Criteria: Invitae Variant Classification Sherloc (09022015). Collection method: clinical testing. Allele origin: germline.
Comment: This sequence change replaces arginine with glutamine at codon 960 of the FANCI protein (p.Arg960Gln). The arginine residue is moderately conserved and there is a small physicochemical difference between arginine and glutamine. This variant is present in population databases (rs151267266, ExAC 0.01%). This variant has not been reported in the literature in individuals affected with FANCI-related conditions. Algorithms developed to predict the effect of missense changes on protein structure and function are either unavailable or do not agree on the potential impact of this missense change (SIFT: "Tolerated"; PolyPhen-2: "Possibly Damaging"; Align-GVGD: "Class C0"). In summary, the available evidence is currently insufficient to determine the role of this variant in disease. Therefore, it has been classified as a Variant of Uncertain Significance.

NM_001113378.2(FANCI):c.2879G>A (p.Arg960Gln)

Gene: FANCI (FA complementation group I; plus strand). Cytogenetic location: 15q26.1.
Variant type: single nucleotide variant.
Coding change: c.2879G>A on transcript NM_001113378.2 (MANE Select); coding-DNA position 2879, G replaced by A.
Protein change: p.Arg960Gln; replaces arginine 960 with glutamine.
Molecular consequence: missense variant.
Genome position (GRCh38, 1-based): chr15:89,300,375, G>A. VCF-style: chr15-89300375-G-A. GRCh37 (hg19) VCF-style: chr15-89843606-G-A.
Other names: c.2600G>A, p.Arg867Gln (NM_001376910.1); c.2879G>A, p.Arg960Gln (NM_001376911.1); c.2699G>A, p.Arg900Gln (NM_018193.3); short protein forms R867Q, R900Q, R960Q.
Identifiers: ClinVar variation 947573 (VCV000947573.9), dbSNP rs151267266, ClinGen allele CA7723493.